The following is an entry in ClinVar:

NM_006031.6(PCNT):c.6991G>A (p.Gly2331Arg)

Gene: PCNT (pericentrin; plus strand). Cytogenetic location: 21q22.3.
Variant type: single nucleotide variant.
Coding change: c.6991G>A on transcript NM_006031.6 (MANE Select); coding-DNA position 6991, G replaced by A.
Protein change: p.Gly2331Arg; replaces glycine 2331 with arginine.
Molecular consequence: missense variant.
Genome position (GRCh38, 1-based): chr21:46,418,273, G>A. VCF-style: chr21-46418273-G-A. GRCh37 (hg19) VCF-style: chr21-47838187-G-A.
Other names: c.6637G>A, p.Gly2213Arg (NM_001315529.2); short protein forms G2331R, G2213R.
Identifiers: ClinVar variation 517700 (VCV000517700.5), dbSNP rs775387368, ClinGen allele CA10080483.

ClinVar aggregate classification (germline): Conflicting classifications of pathogenicity. Review status: criteria provided, conflicting classifications (1 of 4 stars). 3 submissions from 3 submitters: Uncertain significance (1); Likely benign (1). 1 of the submissions does not count toward it. Last evaluated 2025-09-21.

Conditions:
PCNT-related disorder. Also called: PCNT-related condition.

Allele frequency attached by ClinVar (database versions not stated): ExAC 0.00002; gnomAD exomes 0.00002; TOPMed 0.00002.
gnomAD v4.1: 7 of 1,605,376 alleles (0.00044%); highest among the groups gnomAD compares: Admixed American, 0.01%; no homozygotes.

Submissions (3):

Labcorp Genetics (formerly Invitae), Labcorp
Classification: Uncertain significance. Last evaluated: 2025-09-21. Review status: criteria provided, single submitter. Criteria: Invitae Variant Classification Sherloc (09022015). Collection method: clinical testing. Allele origin: germline.
Comment: This sequence change replaces glycine, which is neutral and non-polar, with arginine, which is basic and polar, at codon 2331 of the PCNT protein (p.Gly2331Arg). This variant is present in population databases (rs775387368, gnomAD 0.01%). This variant has not been reported in the literature in individuals affected with PCNT-related conditions. ClinVar contains an entry for this variant (Variation ID: 517700). An algorithm developed to predict the effect of missense changes on protein structure and function outputs the following: PolyPhen-2: "Probably Damaging". The arginine amino acid residue is found in multiple mammalian species, which suggests that this missense change does not adversely affect protein function. In summary, the available evidence is currently insufficient to determine the role of this variant in disease. Therefore, it has been classified as a Variant of Uncertain Significance.

GeneDx
Classification: Likely benign. Last evaluated: 2017-02-10. Review status: criteria provided, single submitter. Criteria: GeneDx Variant Classification (06012015). Collection method: clinical testing. Allele origin: germline. Affected: yes.
Comment: This variant is considered likely benign or benign based on one or more of the following criteria: it is a conservative change, it occurs at a poorly conserved position in the protein, it is predicted to be benign by multiple in silico algorithms, and/or has population frequency not consistent with disease.

PreventionGenetics, part of Exact Sciences
Classification: Uncertain significance for PCNT-related condition. Last evaluated: 2024-08-19. Review status: no assertion criteria provided. Collection method: clinical testing. Allele origin: germline. Not counted in ClinVar's aggregate classification.
Comment: The PCNT c.6991G>A variant is predicted to result in the amino acid substitution p.Gly2331Arg. To our knowledge, this variant has not been reported in the literature. This variant is reported in 0.012% of alleles in individuals of Latino descent in gnomAD. At this time, the clinical significance of this variant is uncertain due to the absence of conclusive functional and genetic evidence.